The following is an entry in ClinVar:

ClinVar aggregate classification (germline): Likely benign. Review status: criteria provided, multiple submitters, no conflicts (2 of 4 stars). 3 submissions from 3 submitters: Likely benign (2). 1 of the submissions does not count toward it. Last evaluated 2026-01-20.

Conditions:
Retinitis pigmentosa 20 (RP20). Identifiers: Orphanet 791, MedGen C3151086, MONDO:0013425, OMIM 613794.
Leber congenital amaurosis 2 (LCA2). Also called: AMAUROSIS CONGENITA OF LEBER II; Autosomal Recessive RPE65-Related Retinal Degeneration. Identifiers: Orphanet 65, MedGen C1859844, MONDO:0008765, OMIM 204100. Disease mechanism: loss of function.
RPE65-related disorder. Also called: RPE65-related disorders; RPE65-related condition. Identifiers: MedGen CN239301.
Leber congenital amaurosis (LCA). Also called: Leber's amaurosis. Identifiers: Orphanet 65, MedGen C0339527, MeSH D057130, MONDO:0018998.

Allele frequency attached by ClinVar (database versions not stated): ExAC 0.00001; gnomAD exomes 0.00001; TOPMed 0.00010.
gnomAD v4.1: 18 of 1,614,116 alleles (0.0011%); highest among the groups gnomAD compares: African/African-American, 0.023%; no homozygotes.

Submissions (3):

Labcorp Genetics (formerly Invitae), Labcorp
Classification: Likely benign for Leber congenital amaurosis 2; Retinitis pigmentosa 20. Last evaluated: 2026-01-20. Review status: criteria provided, single submitter. Criteria: Invitae Variant Classification Sherloc (09022015). Collection method: clinical testing. Allele origin: germline.

PreventionGenetics, part of Exact Sciences
Classification: Likely benign for RPE65-related condition. Last evaluated: 2025-09-03. Review status: criteria provided, single submitter. Criteria: ACMG Guidelines, 2015. Collection method: clinical testing. Allele origin: germline.
Comment: This variant is classified as likely benign based on ACMG/AMP sequence variant interpretation guidelines (Richards et al. 2015 PMID: 25741868, with internal and published modifications).

Natera, Inc.
Classification: Uncertain significance for Leber congenital amaurosis. Last evaluated: 2020-11-17. Review status: no assertion criteria provided. Collection method: clinical testing. Allele origin: germline. Not counted in ClinVar's aggregate classification.

NM_000329.3(RPE65):c.417G>A (p.Val139=)

Gene: RPE65 (retinoid isomerohydrolase RPE65; minus strand). Cytogenetic location: 1p31.3.
Variant type: single nucleotide variant.
Coding change: c.417G>A on transcript NM_000329.3 (MANE Select); coding-DNA position 417, G replaced by A.
Protein change: p.Val139=; no amino-acid change (valine 139 retained).
Molecular consequence: synonymous variant.
Genome position (GRCh38, 1-based): chr1:68,444,609, C>T on the plus strand (G>A on the coding strand, the complement: RPE65 is on the minus strand). VCF-style: chr1-68444609-C-T. GRCh37 (hg19) VCF-style: chr1-68910292-C-T.
Other names: c.417G>A (NM_000329.2).
Identifiers: ClinVar variation 1046243 (VCV001046243.6), dbSNP rs536073181, ClinGen allele CA902509.